The following is an entry in ClinVar:

ClinVar aggregate classification (germline): Uncertain significance (1 of 4 stars; one submission).

Allele frequency attached by ClinVar (database versions not stated): gnomAD 0.00001; gnomAD exomes 0.00001 and 0.00002.
gnomAD v4.1: 36 of 1,614,116 alleles (0.0022%); highest among the groups gnomAD compares: Non-Finnish European, 0.0028%; no homozygotes.

Submission:

Labcorp Genetics (formerly Invitae), Labcorp
Classification: Uncertain significance. Last evaluated: 2022-06-14. Review status: criteria provided, single submitter. Criteria: Invitae Variant Classification Sherloc (09022015). Collection method: clinical testing. Allele origin: germline.
Comment: This sequence change replaces histidine, which is basic and polar, with asparagine, which is neutral and polar, at codon 225 of the C1QA protein (p.His225Asn). This variant is present in population databases (rs762783042, gnomAD 0.0009%). This variant has not been reported in the literature in individuals affected with C1QA-related conditions. Algorithms developed to predict the effect of missense changes on protein structure and function output the following: SIFT: "Tolerated"; PolyPhen-2: "Benign"; Align-GVGD: "Class C0". The asparagine amino acid residue is found in multiple mammalian species, which suggests that this missense change does not adversely affect protein function. In summary, the available evidence is currently insufficient to determine the role of this variant in disease. Therefore, it has been classified as a Variant of Uncertain Significance.

NM_015991.4(C1QA):c.673C>A (p.His225Asn)

Gene: C1QA (complement C1q A chain; plus strand). Cytogenetic location: 1p36.12.
Variant type: single nucleotide variant.
Coding change: c.673C>A on transcript NM_015991.4 (MANE Select); coding-DNA position 673, C replaced by A.
Protein change: p.His225Asn; replaces histidine 225 with asparagine.
Molecular consequence: missense variant.
Genome position (GRCh38, 1-based): chr1:22,639,342, C>A. VCF-style: chr1-22639342-C-A. GRCh37 (hg19) VCF-style: chr1-22965835-C-A.
Other names: c.673C>A, p.His225Asn (NM_001347465.2, NM_001347466.2); short protein forms H225N.
Identifiers: ClinVar variation 1524025 (VCV001524025.3), dbSNP rs762783042, ClinGen allele CA19171270.